The following is an entry in ClinVar:

ClinVar aggregate classification (germline): Uncertain significance (1 of 4 stars; one submission).

Conditions:
Sifrim-Hitz-Weiss syndrome (SIHIWES). Also called: SIFRIM-HITZ-WEISS MULTIPLE CONGENITAL ANOMALIES-MENTAL RETARDATION SYNDROME; CHD4 Neurodevelopmental Disorder. Identifiers: Orphanet 653712, MedGen C4310688, MONDO:0014946, OMIM 617159.

Submission:

Juno Genomics, Hangzhou Juno Genomics, Inc
Classification: Uncertain significance for Sifrim-Hitz-Weiss syndrome. Review status: criteria provided, single submitter. Criteria: ACMG Guidelines, 2015. Collection method: clinical testing. Allele origin: germline.
Comment: Absent from controls (or at extremely low frequency if recessive) in Genome Aggregation Database.;Missense variant in a gene that has a low rate of benign missense variation.

NM_001273.5(CHD4):c.1006A>G (p.Thr336Ala)

Gene: CHD4 (chromodomain helicase DNA binding protein 4; minus strand). Cytogenetic location: 12p13.31.
Variant type: single nucleotide variant.
Coding change: c.1006A>G on transcript NM_001273.5 (MANE Select); coding-DNA position 1006, A replaced by G.
Protein change: p.Thr336Ala; replaces threonine 336 with alanine.
Molecular consequence: missense variant.
Genome position (GRCh38, 1-based): chr12:6,600,591, T>C on the plus strand (A>G on the coding strand, the complement: CHD4 is on the minus strand). VCF-style: chr12-6600591-T-C. GRCh37 (hg19) VCF-style: chr12-6709757-T-C.
Other names: c.985A>G, p.Thr329Ala (NM_001297553.2); c.1006A>G, p.Thr336Ala (NM_001363606.2); short protein forms T329A, T336A.
Identifiers: ClinVar variation 5005154 (VCV005005154.2).